The following is an entry in ClinVar:

NM_001005273.2(CHD3):c.-3943_-3942insA

Genes: CHD3 (chromodomain helicase DNA binding protein 3; plus strand), NAA38 (N-alpha-acetyltransferase 38, NatC auxiliary subunit; minus strand). Cytogenetic location: 17p13.1.
Variant type: Insertion.
Coding change: c.-3943_-3942insA on transcript NM_001005273.2; 3943 bases upstream of the start codon through 3942 bases upstream of the start codon, A inserted.
Molecular consequence: frameshift variant (on NM_001005271.3). On other transcripts: intron variant (1).
Genome position: GRCh38 VCF-style: chr17-7885058-C-CA. GRCh37 (hg19) VCF-style: chr17-7788376-C-CA.
Other names: c.252_253insA, p.Pro85fs (NM_001005271.3, NM_001437504.1, NM_001437507.1 and 2 more transcripts); c.-167+106_-167+107insT (NM_001330111.2); short protein forms P85fs.
Identifiers: ClinVar variation 1698498 (VCV001698498.1), dbSNP rs2151405562, ClinGen allele CA2580094862.

ClinVar aggregate classification (germline): Uncertain significance (1 of 4 stars; one submission).

Submission:

Women's Health and Genetics/Laboratory Corporation of America, LabCorp
Classification: Uncertain significance. Last evaluated: 2022-06-01. Review status: criteria provided, single submitter. Criteria: LabCorp Variant Classification Summary - May 2015. Collection method: clinical testing. Allele origin: germline.
Comment: Variant summary: CHD3 c.-3943_-3942insA is located in the untranscribed 5' region upstream of the CHD3 gene. The variant can result in a frameshift under a different transcript (NM_001005271.3:c.252_253insA [p.Pro85ThrfsX10]), which introduces a premature termination. This premature termination may result in a truncated protein or absence of the protein through nonsense mediated decay, which are known mechanisms of disease. The variant was absent in 23454 control chromosomes (gnomAD). The available data on variant occurrences in the general population are insufficient to allow any conclusion about variant significance. To our knowledge, no occurrence of c.-3943_-3942insA or c.252_253insA in individuals affected with Snijders Blok-Campeau Syndrome and no experimental evidence demonstrating its impact on protein function have been reported. No clinical diagnostic laboratories have submitted clinical-significance assessments for this variant to ClinVar after 2014. Based on the evidence outlined above, the variant was classified as uncertain significance.